The following is an entry in ClinVar:

ClinVar aggregate classification (germline): Conflicting classifications of pathogenicity. Review status: criteria provided, conflicting classifications (1 of 4 stars). 2 submissions from 2 submitters: Uncertain significance (1); Likely benign (1). Last evaluated 2024-09-26.

Conditions:
Inborn genetic diseases. Identifiers: MedGen C0950123, MeSH D030342.
Developmental and epileptic encephalopathy, 30 (DEE30). Also called: Epileptic encephalopathy, early infantile, 30. Identifiers: MedGen C4225360, MONDO:0014595, OMIM 616341.

Allele frequency attached by ClinVar (database versions not stated): ExAC 0.00003; gnomAD 0.00003; ESP Exome Variant Server 0.00008.

Submissions (2):

Ambry Genetics
Classification: Likely benign for Inborn genetic diseases. Last evaluated: 2024-09-26. Review status: criteria provided, single submitter. Criteria: Ambry Variant Classification Scheme 2023. Collection method: clinical testing. Allele origin: germline.

Labcorp Genetics (formerly Invitae), Labcorp
Classification: Uncertain significance for Developmental and epileptic encephalopathy, 30. Last evaluated: 2023-12-21. Review status: criteria provided, single submitter. Criteria: Invitae Variant Classification Sherloc (09022015). Collection method: clinical testing. Allele origin: germline.
Comment: This sequence change replaces alanine, which is neutral and non-polar, with serine, which is neutral and polar, at codon 288 of the SIK1 protein (p.Ala288Ser). This variant is present in population databases (rs376891838, gnomAD 0.009%). This variant has not been reported in the literature in individuals affected with SIK1-related conditions. ClinVar contains an entry for this variant (Variation ID: 542700). Advanced modeling of protein sequence and biophysical properties (such as structural, functional, and spatial information, amino acid conservation, physicochemical variation, residue mobility, and thermodynamic stability) performed at Invitae indicates that this missense variant is not expected to disrupt SIK1 protein function with a negative predictive value of 95%. In summary, the available evidence is currently insufficient to determine the role of this variant in disease. Therefore, it has been classified as a Variant of Uncertain Significance.

NM_173354.5(SIK1):c.862G>T (p.Ala288Ser)

Gene: SIK1 (salt inducible kinase 1; minus strand). Cytogenetic location: 21q22.3.
Variant type: single nucleotide variant.
Coding change: c.862G>T on transcript NM_173354.5 (MANE Select); coding-DNA position 862, G replaced by T.
Protein change: p.Ala288Ser; replaces alanine 288 with serine.
Molecular consequence: missense variant.
Genome position (GRCh38, 1-based): chr21:43,420,344, C>A on the plus strand (G>T on the coding strand, the complement: SIK1 is on the minus strand). VCF-style: chr21-43420344-C-A. GRCh37 (hg19) VCF-style: chr21-44840224-C-A.
Other names: short protein forms A288S.
Identifiers: ClinVar variation 542700 (VCV000542700.11), dbSNP rs376891838, ClinGen allele CA321326840.